The following continues an entry in ClinVar:

NM_000552.5(VWF):c.3946G>A (p.Val1316Met)

Gene: VWF. ClinVar aggregate classification (germline): Pathogenic. Pathogenic (1).

Submissions 7 to 18 of 18:

Genetics and Molecular Pathology, SA Pathology
Classification: Pathogenic for von Willebrand disease type 2. Last evaluated: 2023-11-09. Review status: criteria provided, single submitter. Criteria: ACMG Guidelines, 2015. Collection method: clinical testing. Allele origin: germline. Affected: yes. Not counted in ClinVar's aggregate classification.
Comment: The VWF c.3946G>A variant is classified as Pathogenic (PS3_Strong, PS4_Strong, PM2_Moderate, PP3_Supporting) The VWF c.3946G>A variant is a single nucleotide change in exon 28/52 of the VWF gene, which is predicted to change the amino acid valine at position 1316 in the protein to methionine. The variant has been reported in dbSNP (rs61749397) and in the HGMD database: CM910400. Well-established functional studies in mouse models have shown a deleterious effect of this variant resulting in diminished platelet aggregation (PMID: 24270421 and PMID: 20317142) (PS3_Strong). The variant has been commonly reported in probands with a clinical presentation of von Willebrand Disease type 2B (PS4_Strong). This variant is absent from population databases (PM2_Moderate). Computational predictions support a deleterious effect on the gene or gene product (REVEL >0.7.) (PP3_Supporting). It has been reported as Pathogenic by other diagnostic laboratories (ClinVar Variation ID: 290).

Fulgent Genetics
Classification: Pathogenic for von Willebrand disease type 1; von Willebrand disease type 3; von Willebrand disease type 2. Last evaluated: 2021-08-06. Review status: criteria provided, single submitter. Criteria: ACMG Guidelines, 2015. Collection method: clinical testing. Allele origin: unknown. Not counted in ClinVar's aggregate classification.

CeGaT Center for Human Genetics Tuebingen
Classification: Pathogenic. Last evaluated: 2020-09-01. Review status: criteria provided, single submitter. Criteria: CeGaT Center For Human Genetics Tuebingen Variant Classification Criteria Version 2. Collection method: clinical testing. Allele origin: germline. Affected: yes. Observed: 1 variant allele. Not counted in ClinVar's aggregate classification.

Versiti Diagnostic Laboratories, Versiti, Inc
Classification: Pathogenic for von Willebrand disease, type 2b. Last evaluated: 2019-09-20. Review status: criteria provided, single submitter. Criteria: Versiti Assertion Criteria. Collection method: clinical testing. Allele origin: germline. Affected: yes. Observed: 14 variant alleles. Not counted in ClinVar's aggregate classification.
Comment: The missense variant VWF c.3946G>A, p.Val1316Met (p.V1316M; mature protein p.V553M) in exon 28 changes amino acid valine at codon 1316 to methionine. The valine at this residue is highly conserved among species. This amino acid change occurs in the A1 domain, a functional domain that binds GPIba (Springer, 2014). Pathogenic variants in VWF are associated with autosomal dominant or autosomal recessive von Willebrand disease (VWD), characterized by quantitative or qualitative deficiencies in von Willebrand factor and resulting in prolonged bleeding. This sequence variant has been previously reported in patients with type 2B VWD. Patients with this variant have a unique phenotype of severe thrombocytopenia, bleeding, giant platelets, and spontaneous platelet aggregation in vitro (Jackson, 2009; Poon, 2010; Espitia, 2017; Rotz, 2017). To date, this variant has not been reported in the general population (GnomAD, Exome Variant Server, ExAC, Variation Viewer). Functional studies of the p.V1316M variant in COS-7 cells mimic the patient laboratory phenotype: binding is significantly increased in the absence of agonist, in the presence of ristocetin, or in the presence of low concentrations of botrocetin, and platelet aggregation is increased by SIPA (Ajzenberg, 2000). In summary, the collective evidence supports VWF c.3946G>A, p.Val1316Met as a pathogenic variant for type 2B VWD.

NIHR Bioresource Rare Diseases, University of Cambridge
Classification: Pathogenic for von Willebrand disorder. Last evaluated: 2019-02-01. Review status: criteria provided, single submitter. Criteria: ACMG Guidelines, 2015. Collection method: research. Allele origin: unknown. Affected: yes. Observed: 2 heterozygotes. Study: ThromboGenomics. Not counted in ClinVar's aggregate classification.

NIHR Bioresource Rare Diseases, University of Cambridge
Classification: Pathogenic for von Willebrand disease type 2. Last evaluated: 2019-02-01. Review status: criteria provided, single submitter. Criteria: ACMG Guidelines, 2015. Collection method: research. Allele origin: unknown. Affected: yes. Observed: 1 heterozygote. Study: ThromboGenomics. Not counted in ClinVar's aggregate classification.

Angelo Bianchi Bonomi Hemophilia and Thrombosis Center, Fondazione IRCCS Ca Granda Ospedale Maggiore Policlinico
Classification: Pathogenic for von Willebrand disease type 2. Last evaluated: 2022-04-26. Review status: no assertion criteria provided. Collection method: clinical testing. Allele origin: germline. Affected: yes. Not counted in ClinVar's aggregate classification.

OMIM
Classification: Pathogenic for VON WILLEBRAND DISEASE, TYPE 2B. Last evaluated: 2010-05-01. Review status: no assertion criteria provided. Collection method: literature only. Allele origin: germline. Not counted in ClinVar's aggregate classification.

Clinical Molecular Genetics Laboratory, Johns Hopkins All Children's Hospital
Classification: Pathogenic for von Willebrand disorder. Last evaluated: 2006-01-23. Review status: no assertion criteria provided. Collection method: clinical testing. Allele origin: germline. Affected: yes. Not counted in ClinVar's aggregate classification.

Academic Unit of Haematology, University of Sheffield
No classification provided. Review status: no classification provided. Collection method: not provided. Allele origin: not provided. Not counted in ClinVar's aggregate classification.

GeneReviews
No classification provided. Condition: von Willebrand disorder. Review status: no classification provided. Collection method: literature only. Allele origin: germline. Not counted in ClinVar's aggregate classification.

ISTH-SSC Genomics in Thrombosis and Hemostasis, KU Leuven, Center for Molecular and Vascular Biology
Classification: Likely pathogenic for von Willebrand disorder. Review status: no assertion criteria provided. Collection method: research. Allele origin: unknown. Affected: yes. Not counted in ClinVar's aggregate classification.
Comment: Submitted to GoldVariant by Dr Karyn Mégy from NIHR Bioresource - Cambridge University, UK

Literature cited by the submitters: PubMed 27212476 (cited by ClinGen von Willebrand Disease Variant Curation Expert Panel, ClinGen and Quest Diagnostics Nichols Institute San Juan Capistrano); PubMed 2010538 (cited by Quest Diagnostics Nichols Institute San Juan Capistrano and OMIM); PubMed 10845912 (cited by Quest Diagnostics Nichols Institute San Juan Capistrano and Versiti Diagnostic Laboratories, Versiti, Inc); PubMed 26645283 (cited by Quest Diagnostics Nichols Institute San Juan Capistrano); PubMed 24270421 (cited by Quest Diagnostics Nichols Institute San Juan Capistrano and Genetics and Molecular Pathology, SA Pathology); PubMed 25077350 (cited by Quest Diagnostics Nichols Institute San Juan Capistrano); PubMed 19060241 (cited by 3 submitters); PubMed 16702040 (cited by Quest Diagnostics Nichols Institute San Juan Capistrano); PubMed 25185554 (cited by Quest Diagnostics Nichols Institute San Juan Capistrano); PubMed 27885890 (cited by Quest Diagnostics Nichols Institute San Juan Capistrano and Versiti Diagnostic Laboratories, Versiti, Inc); PubMed 28060120 (cited by Quest Diagnostics Nichols Institute San Juan Capistrano and Versiti Diagnostic Laboratories, Versiti, Inc); PubMed 31064749 (cited by Quest Diagnostics Nichols Institute San Juan Capistrano and NIHR Bioresource Rare Diseases, University of Cambridge); PubMed 18805962 (cited by Quest Diagnostics Nichols Institute San Juan Capistrano); PubMed 35186246 (cited by Mayo Clinic Laboratories, Mayo Clinic); PubMed 35210927 (cited by Mayo Clinic Laboratories, Mayo Clinic); PubMed 35505650 (cited by Mayo Clinic Laboratories, Mayo Clinic); PubMed 36580664 (cited by Mayo Clinic Laboratories, Mayo Clinic); PubMed 20317142 (cited by Genetics and Molecular Pathology, SA Pathology); PubMed 20838735 (cited by Versiti Diagnostic Laboratories, Versiti, Inc); PubMed 24928861 (cited by Versiti Diagnostic Laboratories, Versiti, Inc); PubMed 20409624 (cited by OMIM); PubMed 1729889 (cited by OMIM); PubMed 6696046 (cited by OMIM); NCBI Bookshelf NBK7014 (cited by GeneReviews).